The following is an entry in ClinVar:

NM_181332.3(NLGN4X):c.473-3273G>A

Gene: NLGN4X (neuroligin 4 X-linked; minus strand). Cytogenetic location: Xp22.32.
Variant type: single nucleotide variant.
Coding change: c.473-3273G>A on transcript NM_181332.3 (MANE Select); 3273 bases into the intron before coding-DNA position 473, G replaced by A.
Molecular consequence: intron variant.
Genome position (GRCh38, 1-based): chrX:6,032,705, C>T on the plus strand (G>A on the coding strand, the complement: NLGN4X is on the minus strand). VCF-style: chrX-6032705-C-T. GRCh37 (hg19) VCF-style: chrX-5950746-C-T.
Other names: c.473-3273G>A (NM_001282145.2, NM_020742.4, NM_001282146.2).
Identifiers: ClinVar variation 2659905 (VCV002659905.24), dbSNP rs368530468, ClinGen allele CA10341195.

ClinVar aggregate classification (germline): Likely benign (1 of 4 stars; one submission).

Allele frequency attached by ClinVar (database versions not stated): 1000 Genomes Project 30x 0.00021; ESP Exome Variant Server 0.00022; 1000 Genomes Project 0.00026; ExAC 0.00041; TOPMed 0.00043; gnomAD 0.00050.
gnomAD v4.1: 666 of 1,188,639 alleles (0.056%); highest among the groups gnomAD compares: South Asian, 0.14%; no homozygotes.

Submission:

CeGaT Center for Human Genetics Tuebingen
Classification: Likely benign. Last evaluated: 2022-10-01. Review status: criteria provided, single submitter. Criteria: CeGaT Center For Human Genetics Tuebingen Variant Classification Criteria Version 2. Collection method: clinical testing. Allele origin: germline. Affected: yes. Observed: 3 variant alleles.
Comment: NLGN4X: BP4, BS2